The following is an entry in ClinVar:

ClinVar aggregate classification (germline): Uncertain significance (1 of 4 stars; one submission).

Conditions:
Ataxia-telangiectasia syndrome (AT). Also called: Ataxia-telangiectasia, complementation group E; Ataxia telangiectasia (A-T); LOUIS-BAR SYNDROME; Ataxia-telangiectasia, complementation group D; AT, COMPLEMENTATION GROUP C; Ataxia-telangiectasia. Identifiers: Orphanet 100, MedGen C0004135, MONDO:0008840, OMIM 208900.

Submission:

Labcorp Genetics (formerly Invitae), Labcorp
Classification: Uncertain significance for Ataxia-telangiectasia syndrome. Last evaluated: 2019-03-16. Review status: criteria provided, single submitter. Criteria: Invitae Variant Classification Sherloc (09022015). Collection method: clinical testing. Allele origin: germline.
Comment: This variant is a gross duplication of the genomic region encompassing exons 56-63 of the ATM gene. The 5' boundary is likely confined to intron 55. The 3' end of this event is unknown as it extends beyond the assayed region for this gene and therefore may encompass additional genes. The exact location of this variant in the genome is unknown. This variant has not been reported in the literature in individuals with ATM-related disease. Experimental studies and prediction algorithms are not available for this variant, and the functional significance of the duplicated exons is currently unknown. In summary, the available evidence is currently insufficient to determine the role of this variant in disease. Therefore, it has been classified as a Variant of Uncertain Significance.

NC_000011.10:g.(?_108335835)_(108365518_?)dup

Gene: ATM (ATM serine/threonine kinase; plus strand). Cytogenetic location: 11q22.3.
Variant type: Duplication.
Identifiers: ClinVar variation 832256 (VCV000832256.1).